The following is an entry in ClinVar:

ClinVar aggregate classification (germline): Uncertain significance (1 of 4 stars; one submission).

Conditions:
Epileptic encephalopathy. Identifiers: MedGen C0543888, HP:0200134.

Allele frequency attached by ClinVar (database versions not stated): gnomAD exomes 0.00002; gnomAD 0.00003; ExAC 0.00004; TOPMed 0.00005.
gnomAD v4.1: 41 of 1,611,568 alleles (0.0025%); highest among the groups gnomAD compares: East Asian, 0.0089%; no homozygotes.

Submission:

Labcorp Genetics (formerly Invitae), Labcorp
Classification: Uncertain significance for Epileptic encephalopathy. Last evaluated: 2025-01-06. Review status: criteria provided, single submitter. Criteria: Invitae Variant Classification Sherloc (09022015). Collection method: clinical testing. Allele origin: germline.
Comment: This sequence change replaces arginine, which is basic and polar, with cysteine, which is neutral and slightly polar, at codon 1423 of the FASN protein (p.Arg1423Cys). This variant is present in population databases (rs772178615, gnomAD 0.02%). This variant has not been reported in the literature in individuals affected with FASN-related conditions. ClinVar contains an entry for this variant (Variation ID: 1036907). An algorithm developed to predict the effect of missense changes on protein structure and function (PolyPhen-2) suggests that this variant is likely to be tolerated. In summary, the available evidence is currently insufficient to determine the role of this variant in disease. Therefore, it has been classified as a Variant of Uncertain Significance.

NM_004104.5(FASN):c.4267C>T (p.Arg1423Cys)

Gene: FASN (fatty acid synthase; minus strand). Cytogenetic location: 17q25.3.
Variant type: single nucleotide variant.
Coding change: c.4267C>T on transcript NM_004104.5 (MANE Select); coding-DNA position 4267, C replaced by T.
Protein change: p.Arg1423Cys; replaces arginine 1423 with cysteine.
Molecular consequence: missense variant.
Genome position (GRCh38, 1-based): chr17:82,085,258, G>A on the plus strand (C>T on the coding strand, the complement: FASN is on the minus strand). VCF-style: chr17-82085258-G-A. GRCh37 (hg19) VCF-style: chr17-80043134-G-A.
Other names: short protein forms R1423C.
Identifiers: ClinVar variation 1036907 (VCV001036907.6), dbSNP rs772178615, ClinGen allele CA8852130.